The following is an entry in ClinVar:

ClinVar aggregate classification (germline): Uncertain significance (1 of 4 stars; one submission).

Allele frequency attached by ClinVar (database versions not stated): ExAC 0.00001.

Submission:

Ambry Genetics
Classification: Uncertain significance. Last evaluated: 2022-09-26. Review status: criteria provided, single submitter. Criteria: Ambry Variant Classification Scheme 2023. Collection method: clinical testing. Allele origin: germline.
Comment: The p.G1194V variant (also known as c.3581G>T), located in coding exon 17 of the NPAT gene, results from a G to T substitution at nucleotide position 3581. The glycine at codon 1194 is replaced by valine, an amino acid with dissimilar properties. This amino acid position is conserved. In addition, this alteration is predicted to be tolerated by in silico analysis. Since supporting evidence is limited at this time, the clinical significance of this alteration remains unclear.

NM_002519.3(NPAT):c.3581G>T (p.Gly1194Val)

Gene: NPAT (nuclear protein, coactivator of histone transcription; minus strand). Cytogenetic location: 11q22.3.
Variant type: single nucleotide variant.
Coding change: c.3581G>T on transcript NM_002519.3 (MANE Select); coding-DNA position 3581, G replaced by T.
Protein change: p.Gly1194Val; replaces glycine 1194 with valine.
Molecular consequence: missense variant.
Genome position (GRCh38, 1-based): chr11:108,161,505, C>A on the plus strand (G>T on the coding strand, the complement: NPAT is on the minus strand). VCF-style: chr11-108161505-C-A. GRCh37 (hg19) VCF-style: chr11-108032232-C-A.
Other names: c.3602G>T, p.Gly1201Val (NM_001321307.1); short protein forms G1201V, G1194V.
Identifiers: ClinVar variation 1732905 (VCV001732905.2), dbSNP rs768854925, ClinGen allele CA6263560.